The following is an entry in ClinVar:

NM_003482.4(KMT2D):c.6987C>T (p.Ala2329=)

Gene: KMT2D (lysine methyltransferase 2D; minus strand). Cytogenetic location: 12q13.12.
Variant type: single nucleotide variant.
Coding change: c.6987C>T on transcript NM_003482.4 (MANE Select); coding-DNA position 6987, C replaced by T.
Protein change: p.Ala2329=; no amino-acid change (alanine 2329 retained).
Molecular consequence: synonymous variant.
Genome position (GRCh38, 1-based): chr12:49,040,783, G>A on the plus strand (C>T on the coding strand, the complement: KMT2D is on the minus strand). VCF-style: chr12-49040783-G-A. GRCh37 (hg19) VCF-style: chr12-49434566-G-A.
Other names: c.6987C>T (NM_003482.3).
Identifiers: ClinVar variation 1665960 (VCV001665960.10), dbSNP rs772399253, ClinGen allele CA6547147.

ClinVar aggregate classification (germline): Likely benign. Review status: criteria provided, single submitter (1 of 4 stars). 2 submissions from 2 submitters: Likely benign (1). 1 of the submissions does not count toward it. Last evaluated 2025-12-27.

Conditions:
Kabuki syndrome. Also called: Kabuki make-up syndrome; NIIKAWA-KUROKI SYNDROME. Identifiers: Orphanet 2322, MedGen C0796004, MONDO:0016512.
KMT2D-related disorder. Also called: KMT2D-Related Disorders.

Allele frequency attached by ClinVar (database versions not stated): gnomAD 0.00002; gnomAD exomes 0.00002; TOPMed 0.00002; ExAC 0.00003.
gnomAD v4.1: 77 of 1,613,520 alleles (0.0048%); highest among the groups gnomAD compares: Non-Finnish European, 0.0058%; no homozygotes.

Submissions (2):

Labcorp Genetics (formerly Invitae), Labcorp
Classification: Likely benign for Kabuki syndrome. Last evaluated: 2025-12-27. Review status: criteria provided, single submitter. Criteria: Invitae Variant Classification Sherloc (09022015). Collection method: clinical testing. Allele origin: germline.

PreventionGenetics, part of Exact Sciences
Classification: Likely benign for KMT2D-related condition. Last evaluated: 2022-12-06. Review status: no assertion criteria provided. Collection method: clinical testing. Allele origin: germline. Not counted in ClinVar's aggregate classification.
Comment: This variant is classified as likely benign based on ACMG/AMP sequence variant interpretation guidelines (Richards et al. 2015 PMID: 25741868, with internal and published modifications).